The following is an entry in ClinVar:

ClinVar aggregate classification (germline): Likely pathogenic (1 of 4 stars; one submission).

Conditions:
Catecholaminergic polymorphic ventricular tachycardia 1. Also called: VENTRICULAR TACHYCARDIA, CATECHOLAMINERGIC POLYMORPHIC, 1, WITH OR WITHOUT ATRIAL DYSFUNCTION AND/OR DILATED CARDIOMYOPATHY; VENTRICULAR TACHYCARDIA, STRESS-INDUCED POLYMORPHIC 1; RYR2-Related Catecholaminergic Polymorphic Ventricular Tachycardia. Identifiers: Orphanet 3286, MedGen C1631597, MONDO:0011484, OMIM 604772.

Submission:

Institute of Human Genetics, University of Leipzig Medical Center
Classification: Likely pathogenic for Catecholaminergic polymorphic ventricular tachycardia 1. Last evaluated: 2022-02-03. Review status: criteria provided, single submitter. Criteria: ACMG Guidelines, 2015. Collection method: clinical testing. Allele origin: unknown.
Comment: Criteria applied: PVS1, PM2_SUP

NM_001035.3(RYR2):c.1031_1035del (p.Lys344fs)

Gene: RYR2 (ryanodine receptor 2; plus strand). Cytogenetic location: 1q43.
Variant type: Deletion.
Coding change: c.1031_1035del on transcript NM_001035.3 (MANE Select); coding-DNA positions 1031 to 1035, 5 bases deleted (AAGAA; older notation c.1031_1035delAAGAA).
Protein change: p.Lys344fs; shifts the reading frame from lysine 344.
Molecular consequence: frameshift variant.
Genome position (GRCh38, 1-based): chr1:237,441,344-237,441,348, AAGAA deleted; deleting any 5 consecutive bases within chr1:237,441,340-237,441,348 gives the same sequence; the c. name uses the placement nearest the transcript's 3' end. VCF-style (leftmost placement, unchanged base first): chr1-237441339-GAGAAA-G. GRCh37 (hg19) VCF-style: chr1-237604639-GAGAAA-G.
Other names: short protein forms K344fs.
Identifiers: ClinVar variation 1342890 (VCV001342890.1), dbSNP rs2150146622, ClinGen allele CA2573051523.